The following is an entry in ClinVar:

ClinVar aggregate classification (germline): Uncertain significance (1 of 4 stars; one submission).

Conditions:
EGF-related disorder. Also called: EGF-related condition.

gnomAD v4.1: 5 of 1,614,034 alleles (0.00031%); highest among the groups gnomAD compares: African/African-American, 0.0013%; no homozygotes.

Submission:

PreventionGenetics, part of Exact Sciences
Classification: Uncertain significance for EGF-related condition. Last evaluated: 2025-04-29. Review status: criteria provided, single submitter. Criteria: ACMG Guidelines, 2015. Collection method: clinical testing. Allele origin: germline.
Comment: The EGF c.2909G>A variant is predicted to result in the amino acid substitution p.Arg970Lys. To our knowledge, this variant has not been reported in the literature or in a large population database (gnomAD), indicating this variant is rare. At this time, the clinical significance of this variant is uncertain due to the absence of conclusive functional and genetic evidence.

NM_001963.6(EGF):c.2909G>A (p.Arg970Lys)

Genes: EGF (epidermal growth factor; plus strand), LOC129992959 (ATAC-STARR-seq lymphoblastoid active region 21813; plus strand). Cytogenetic location: 4q25.
Variant type: single nucleotide variant.
Coding change: c.2909G>A on transcript NM_001963.6 (MANE Select); coding-DNA position 2909, G replaced by A.
Protein change: p.Arg970Lys; replaces arginine 970 with lysine.
Molecular consequence: missense variant.
Genome position (GRCh38, 1-based): chr4:109,994,784, G>A. VCF-style: chr4-109994784-G-A. GRCh37 (hg19) VCF-style: chr4-110915940-G-A.
Other names: c.2786G>A, p.Arg929Lys (NM_001178130.3); c.2783G>A, p.Arg928Lys (NM_001178131.3); c.2540G>A, p.Arg847Lys (NM_001357021.2); short protein forms R847K, R929K, R970K, R928K.
Identifiers: ClinVar variation 4977461 (VCV004977461.1).